The following is an entry in ClinVar:

ClinVar aggregate classification (germline): Likely pathogenic (1 of 4 stars; one submission).

Conditions:
WNK4-related disorder. Also called: WNK4-related condition.

Submission:

PreventionGenetics, part of Exact Sciences
Classification: Likely pathogenic for WNK4-related condition. Last evaluated: 2023-10-03. Review status: criteria provided, single submitter. Criteria: ACMG Guidelines, 2015. Collection method: clinical testing. Allele origin: germline.
Comment: The WNK4 c.1678_1680delGAG variant is predicted to result in an in-frame deletion (p.Glu560del). To our knowledge, this variant has not been reported in the literature or in a large population database, indicating this variant is rare. A substitution of this amino acid (p.Glu560Gly) has been reported in a patient with pseudohypoaldosteronism 2, indicating this residue may be necessary for proper protein function (Brooks. 2012. PubMed ID: 21764813). This variant is interpreted as likely pathogenic.

NM_032387.5(WNK4):c.1675GAG[1] (p.Glu560del)

Gene: WNK4 (WNK lysine deficient protein kinase 4; plus strand). Cytogenetic location: 17q21.2.
Variant type: Microsatellite.
Coding change: c.1675GAG[1] on transcript NM_032387.5 (MANE Select); one copy of the 3-base unit GAG starting at c.1675; the reference has two copies in a row; one copy, 3 bases deleted.
Protein change: p.Glu560del; deletes glutamic acid 560.
Molecular consequence: inframe deletion.
Genome position (GRCh38, 1-based): chr17:42,787,479-42,787,481, GAG deleted; deleting any 3 consecutive bases within chr17:42,787,476-42,787,481 gives the same sequence; the position shown is the placement nearest the transcript's 3' end. VCF-style (leftmost placement, unchanged base first): chr17-42787475-TGAG-T. GRCh37 (hg19) VCF-style: chr17-40939493-TGAG-T.
Other names: c.667GAG[1], p.Glu224del (NM_001321299.2); short protein forms E224del, E560del.
Identifiers: ClinVar variation 2636287 (VCV002636287.1), dbSNP rs2544005779, ClinGen allele CA2695201330.